The following is an entry in ClinVar:

ClinVar aggregate classification (germline): Pathogenic/Likely pathogenic. Review status: criteria provided, multiple submitters, no conflicts (2 of 4 stars). 2 submissions from 2 submitters: Pathogenic (1); Likely pathogenic (1). Last evaluated 2025-05-26.

Conditions:
Autoimmune lymphoproliferative syndrome type 1. Also called: AUTOIMMUNE LYMPHOPROLIFERATIVE SYNDROME, TYPE I, AUTOSOMAL DOMINANT. Identifiers: Orphanet 3261, MedGen C2717884, MONDO:0011158, OMIM 601859.

Submissions (2):

Mayo Clinic Laboratories, Mayo Clinic
Classification: Likely pathogenic. Last evaluated: 2025-05-26. Review status: criteria provided, single submitter. Criteria: ACMG Guidelines, 2015. Collection method: clinical testing. Allele origin: germline. Observed: 1 variant allele.
Comment: PM2_supporting, PVS1_strong

Labcorp Genetics (formerly Invitae), Labcorp
Classification: Pathogenic for Autoimmune lymphoproliferative syndrome. Last evaluated: 2025-04-20. Review status: criteria provided, single submitter. Criteria: Invitae Variant Classification Sherloc (09022015). Collection method: clinical testing. Allele origin: germline.
Comment: This sequence change creates a premature translational stop signal (p.Lys231*) in the FAS gene. While this is not anticipated to result in nonsense mediated decay, it is expected to disrupt the last 105 amino acid(s) of the FAS protein. This variant is not present in population databases (gnomAD no frequency). This variant has not been reported in the literature in individuals affected with FAS-related conditions. This variant disrupts a region of the FAS protein in which other variant(s) (p.Leu294*) have been determined to be pathogenic (PMID: 1090885, 23407489). This suggests that this is a clinically significant region of the protein, and that variants that disrupt it are likely to be disease-causing. For these reasons, this variant has been classified as Pathogenic.

Literature cited by the submitters: PubMed 18948840 (cited by Mayo Clinic Laboratories, Mayo Clinic); PubMed 21490157 (cited by Mayo Clinic Laboratories, Mayo Clinic); PubMed 35753512 (cited by Mayo Clinic Laboratories, Mayo Clinic); PubMed 8929361 (cited by Mayo Clinic Laboratories, Mayo Clinic); PubMed 1090885 (cited by Labcorp Genetics (formerly Invitae), Labcorp); PubMed 23407489 (cited by Labcorp Genetics (formerly Invitae), Labcorp).

NM_000043.6(FAS):c.691A>T (p.Lys231Ter)

Gene: FAS (Fas cell surface death receptor; plus strand). Cytogenetic location: 10q23.31.
Variant type: single nucleotide variant.
Coding change: c.691A>T on transcript NM_000043.6 (MANE Select); coding-DNA position 691, A replaced by T.
Protein change: p.Lys231Ter; replaces lysine 231 with a stop codon.
Molecular consequence: nonsense. On other transcripts: 3 prime UTR variant (2), non-coding transcript variant (7).
Genome position (GRCh38, 1-based): chr10:89,014,133, A>T. VCF-style: chr10-89014133-A-T. GRCh37 (hg19) VCF-style: chr10-90773890-A-T.
Other names: p.Lys231*; c.*14A>T (NM_001320619.2); c.736A>T, p.Lys246Ter (NM_001410956.1); c.628A>T, p.Lys210Ter (NM_152871.4); c.*3A>T (NM_152872.4); short protein forms K210*, K231*, K246*.
Identifiers: ClinVar variation 4541559 (VCV004541559.2).
Genomic context (GRCh38, chr10:89,014,133, plus strand): 5'-ATTTCATTTAGAAAAACAAATTTTCAGACTATTTTCTATTTTTCAGATGTTGACTTGAGT[A>T]AATATATCACCACTATTGCTGGAGTCATGACACTAAGTCAAGTTAAAGGCTTTGTTCGAA-3'